The following is an entry in ClinVar:

NM_004187.5(KDM5C):c.2263G>A (p.Glu755Lys)

Gene: KDM5C (lysine demethylase 5C; minus strand). Cytogenetic location: Xp11.22.
Variant type: single nucleotide variant.
Coding change: c.2263G>A on transcript NM_004187.5 (MANE Select); coding-DNA position 2263, G replaced by A.
Protein change: p.Glu755Lys; replaces glutamic acid 755 with lysine.
Molecular consequence: missense variant. On other transcripts: non-coding transcript variant (3).
Genome position (GRCh38, 1-based): chrX:53,198,869, C>T on the plus strand (G>A on the coding strand, the complement: KDM5C is on the minus strand). VCF-style: chrX-53198869-C-T. GRCh37 (hg19) VCF-style: chrX-53228051-C-T.
Other names: c.2062G>A, p.Glu688Lys (NM_001146702.2); c.2260G>A, p.Glu754Lys (NM_001282622.3, NM_001353979.2, NM_001353982.2); c.2263G>A, p.Glu755Lys (NM_001353978.3, NM_001353981.2, NM_001353984.2); short protein forms E688K, E754K, E755K.
Identifiers: ClinVar variation 4855164 (VCV004855164.1).

ClinVar aggregate classification (germline): Uncertain significance (1 of 4 stars; one submission).

Conditions:
Intellectual developmental disorder, X-linked, syndromic, Claes-Jensen type. Also called: Syndromic X-linked intellectual disability Claes-Jensen type; INTELLECTUAL DEVELOPMENTAL DISORDER, X-LINKED, SYNDROMIC 16; MENTAL RETARDATION, X-LINKED, SYNDROMIC 16. Identifiers: Orphanet 85279, MedGen C1845243, MONDO:0010355, OMIM 300534.

Submission:

3billion
Classification: Uncertain significance for Intellectual developmental disorder, X-linked, syndromic, Claes-Jensen type. Last evaluated: 2025-09-09. Review status: criteria provided, single submitter. Criteria: ACMG Guidelines, 2015. Collection method: clinical testing. Allele origin: germline. Affected: yes.
Comment: The variant is not observed in the gnomAD v4.1.0 dataset. Predicted Consequence/Location: Missense variant In silico tool predictions suggest damaging effect of the variant on gene or gene product [REVEL: 0.88 (>=0.6, sensitivity 0.68 and specificity 0.92)]. Therefore, this variant is classified as VUS according to the recommendation of ACMG/AMP guideline.